The following is an entry in ClinVar:

NM_001379500.1(COL18A1):c.3746C>T (p.Pro1249Leu)

Genes: COL18A1 (collagen type XVIII alpha 1 chain; plus strand), SLC19A1 (solute carrier family 19 member 1; minus strand). Cytogenetic location: 21q22.3.
Variant type: single nucleotide variant.
Coding change: c.3746C>T on transcript NM_001379500.1 (MANE Select); coding-DNA position 3746, C replaced by T.
Protein change: p.Pro1249Leu; replaces proline 1249 with leucine.
Molecular consequence: missense variant.
Genome position (GRCh38, 1-based): chr21:45,511,163, C>T. VCF-style: chr21-45511163-C-T. GRCh37 (hg19) VCF-style: chr21-46931077-C-T.
Other names: c.4277C>T, p.Pro1426Leu (NM_030582.4); c.4982C>T, p.Pro1661Leu (NM_130444.3); short protein forms P1249L, P1426L, P1661L.
Identifiers: ClinVar variation 2072484 (VCV002072484.2), dbSNP rs774649540, ClinGen allele CA10068058.

ClinVar aggregate classification (germline): Uncertain significance (1 of 4 stars; one submission).

Allele frequency attached by ClinVar (database versions not stated): gnomAD exomes 0.00003; gnomAD 0.00004; TOPMed 0.00004; ExAC 0.00012.
gnomAD v4.1: 52 of 1,601,102 alleles (0.0032%); highest among the groups gnomAD compares: East Asian, 0.02%; no homozygotes.

Submission:

Labcorp Genetics (formerly Invitae), Labcorp
Classification: Uncertain significance. Last evaluated: 2023-11-27. Review status: criteria provided, single submitter. Criteria: Invitae Variant Classification Sherloc (09022015). Collection method: clinical testing. Allele origin: germline.
Comment: This sequence change replaces proline, which is neutral and non-polar, with leucine, which is neutral and non-polar, at codon 1246 of the COL18A1 protein (p.Pro1246Leu). This variant is present in population databases (rs774649540, gnomAD 0.02%). This variant has not been reported in the literature in individuals affected with COL18A1-related conditions. ClinVar contains an entry for this variant (Variation ID: 2072484). Experimental studies and prediction algorithms are not available or were not evaluated, and the functional significance of this variant is currently unknown. In summary, the available evidence is currently insufficient to determine the role of this variant in disease. Therefore, it has been classified as a Variant of Uncertain Significance.